The following is an entry in ClinVar:

ClinVar aggregate classification (germline): Uncertain significance (1 of 4 stars; one submission).

Conditions:
Cohen syndrome (COH1). Also called: Cutis verticis gyrata, retinitis pigmentosa, and sensorineural deafness; PEPPER SYNDROME. Identifiers: Orphanet 193, MedGen C0265223, MONDO:0008999, OMIM 216550.

Allele frequency attached by ClinVar (database versions not stated): gnomAD exomes below 0.00001; ExAC 0.00001.
gnomAD v4.1: 1 of 1,613,538 alleles (0.000062%); highest among the groups gnomAD compares: East Asian, 0.0022%; no homozygotes.

Submission:

Labcorp Genetics (formerly Invitae), Labcorp
Classification: Uncertain significance for Cohen syndrome. Last evaluated: 2025-01-21. Review status: criteria provided, single submitter. Criteria: Invitae Variant Classification Sherloc (09022015). Collection method: clinical testing. Allele origin: germline.
Comment: This sequence change replaces glutamic acid, which is acidic and polar, with lysine, which is basic and polar, at codon 3940 of the VPS13B protein (p.Glu3940Lys). This variant is present in population databases (rs765850481, gnomAD 0.006%). This variant has not been reported in the literature in individuals affected with VPS13B-related conditions. ClinVar contains an entry for this variant (Variation ID: 2187693). An algorithm developed to predict the effect of missense changes on protein structure and function (PolyPhen-2) suggests that this variant¬†is likely to be tolerated. In summary, the available evidence is currently insufficient to determine the role of this variant in disease. Therefore, it has been classified as a Variant of Uncertain Significance.

NM_152564.5(VPS13B):c.11743G>A (p.Glu3915Lys)

Gene: VPS13B (vacuolar protein sorting 13 homolog B; plus strand). Cytogenetic location: 8q22.2.
Variant type: single nucleotide variant.
Coding change: c.11743G>A on transcript NM_152564.5 (MANE Select); coding-DNA position 11743, G replaced by A.
Protein change: p.Glu3915Lys; replaces glutamic acid 3915 with lysine.
Molecular consequence: missense variant.
Genome position (GRCh38, 1-based): chr8:99,871,695, G>A. VCF-style: chr8-99871695-G-A. GRCh37 (hg19) VCF-style: chr8-100883923-G-A.
Other names: c.11818G>A, p.Glu3940Lys (NM_017890.5); short protein forms E3940K, E3915K.
Identifiers: ClinVar variation 2187693 (VCV002187693.3), dbSNP rs765850481, ClinGen allele CA4825311.